The following is an entry in ClinVar:

NM_000834.5(GRIN2B):c.4001G>A (p.Ser1334Asn)

Gene: GRIN2B (glutamate ionotropic receptor NMDA type subunit 2B; minus strand). Cytogenetic location: 12p13.1.
Variant type: single nucleotide variant.
Coding change: c.4001G>A on transcript NM_000834.5 (MANE Select); coding-DNA position 4001, G replaced by A.
Protein change: p.Ser1334Asn; replaces serine 1334 with asparagine.
Molecular consequence: missense variant.
Genome position (GRCh38, 1-based): chr12:13,563,237, C>T on the plus strand (G>A on the coding strand, the complement: GRIN2B is on the minus strand). VCF-style: chr12-13563237-C-T. GRCh37 (hg19) VCF-style: chr12-13716171-C-T.
Other names: c.4001G>A, p.Ser1334Asn (NM_001413992.1); short protein forms S1334N.
Identifiers: ClinVar variation 3756121 (VCV003756121.2).

ClinVar aggregate classification (germline): Uncertain significance (1 of 4 stars; one submission).

Conditions:
Developmental and epileptic encephalopathy, 27 (DEE27). Also called: Epileptic encephalopathy, early infantile, 27; GRIN2B-Related Neurodevelopmental Disorder. Identifiers: Orphanet 3451, MedGen C4015316, MONDO:0014505, OMIM 616139.
Intellectual developmental disorder, autosomal dominant 6, with or without seizures. Also called: Intellectual disability, autosomal dominant 6; GRIN2B-related developmental delay, intellectual disability and autism spectrum disorder. Identifiers: Orphanet 589547, MedGen C3151411, MONDO:0013509, OMIM 613970.

gnomAD v4.1: 9 of 1,614,214 alleles (0.00056%); highest among the groups gnomAD compares: Non-Finnish European, 0.00076%; no homozygotes.

Submission:

Labcorp Genetics (formerly Invitae), Labcorp
Classification: Uncertain significance for Developmental and epileptic encephalopathy, 27; Intellectual developmental disorder, autosomal dominant 6, with or without seizures. Last evaluated: 2024-09-10. Review status: criteria provided, single submitter. Criteria: Invitae Variant Classification Sherloc (09022015). Collection method: clinical testing. Allele origin: germline.
Comment: This sequence change replaces serine, which is neutral and polar, with asparagine, which is neutral and polar, at codon 1334 of the GRIN2B protein (p.Ser1334Asn). This variant is present in population databases (no rsID available, gnomAD 0.0009%). This variant has not been reported in the literature in individuals affected with GRIN2B-related conditions. Invitae Evidence Modeling of protein sequence and biophysical properties (such as structural, functional, and spatial information, amino acid conservation, physicochemical variation, residue mobility, and thermodynamic stability) indicates that this missense variant is not expected to disrupt GRIN2B protein function with a negative predictive value of 95%. In summary, the available evidence is currently insufficient to determine the role of this variant in disease. Therefore, it has been classified as a Variant of Uncertain Significance.